The following is an entry in ClinVar:

NM_001605.3(AARS1):c.370C>T (p.Gln124Ter)

Gene: AARS1 (alanyl-tRNA synthetase 1; minus strand). Cytogenetic location: 16q22.1.
Variant type: single nucleotide variant.
Coding change: c.370C>T on transcript NM_001605.3 (MANE Select); coding-DNA position 370, C replaced by T.
Protein change: p.Gln124Ter; replaces glutamine 124 with a stop codon.
Molecular consequence: nonsense.
Genome position (GRCh38, 1-based): chr16:70,276,595, G>A on the plus strand (C>T on the coding strand, the complement: AARS1 is on the minus strand). VCF-style: chr16-70276595-G-A. GRCh37 (hg19) VCF-style: chr16-70310498-G-A.
Other names: short protein forms Q124*.
Identifiers: ClinVar variation 1953072 (VCV001953072.5), dbSNP rs1960557616, ClinGen allele CA396569042.
Genomic context (GRCh38, chr16:70,276,595, plus strand): 5'-CTGCTTCATCCCCGCCAAAGTAAGTAACATAAAGTCTTTCAATGGGAATGCCAAACTCTT[G>A]GGTGAGGAGTTCCAGAGCCATCTTACATGCCAATTCCTACAAAAAGAACAGAGAGAAAGA-3'

ClinVar aggregate classification (germline): Pathogenic (1 of 4 stars; one submission).

Conditions:
Charcot-Marie-Tooth disease type 2. Also called: Charcot-Marie-Tooth type 2. Identifiers: Orphanet 64746, MedGen C0270914, MONDO:0018993.

Allele frequency attached by ClinVar (database versions not stated): gnomAD exomes below 0.00001; gnomAD 0.00001.
gnomAD v4.1: 2 of 1,613,948 alleles (0.00012%); highest among the groups gnomAD compares: African/African-American, 0.0013%; no homozygotes.

Submission:

Labcorp Genetics (formerly Invitae), Labcorp
Classification: Pathogenic for Charcot-Marie-Tooth disease type 2. Last evaluated: 2023-07-21. Review status: criteria provided, single submitter. Criteria: Invitae Variant Classification Sherloc (09022015). Collection method: clinical testing. Allele origin: germline.
Comment: This sequence change creates a premature translational stop signal (p.Gln124*) in the AARS gene. It is expected to result in an absent or disrupted protein product. Loss-of-function variants in AARS are known to be pathogenic (PMID: 25817015, 28493438, 34446925). This variant is not present in population databases (gnomAD no frequency). This variant has not been reported in the literature in individuals affected with AARS-related conditions. ClinVar contains an entry for this variant (Variation ID: 1953072). For these reasons, this variant has been classified as Pathogenic.

Literature cited by the submitters: PubMed 25817015; PubMed 28493438; PubMed 34446925.